The following is an entry in ClinVar:

ClinVar aggregate classification (germline): Likely pathogenic (1 of 4 stars; one submission).

Submission:

GeneDx
Classification: Likely pathogenic. Last evaluated: 2016-01-14. Review status: criteria provided, single submitter. Criteria: GeneDx Variant Classification (06012015). Collection method: clinical testing. Allele origin: germline. Affected: yes.
Comment: The c.357+1 G>A variant has not been published as a pathogenic variant, nor has it been reported as a benign variant to our knowledge. It was not observed in approximately 6,500 individuals of European and African American ancestry in the NHLBI Exome Sequencing Project, indicating it is not a common benign variant in these populations. The c.357+1 G>A splice site variant destroys the canonical splice donor site in intron 3. It is predicted to cause abnormal gene splicing, either leading to an abnormal message that is subject to nonsense-mediated mRNA decay, or to an abnormal protein product if the message is used for protein translation. Therefore, this variant is likely pathogenic; however, the possibility that it is benign cannot be excluded.

NM_016729.3(FOLR1):c.357+1G>A

Genes: FOLR1 (folate receptor alpha; plus strand), FOLR1-AS1 (FOLR1 antisense RNA 1; minus strand). Cytogenetic location: 11q13.4.
Variant type: single nucleotide variant.
Coding change: c.357+1G>A on transcript NM_016729.3 (MANE Select); the canonical splice donor site of the intron after coding-DNA position 357, G replaced by A.
Molecular consequence: splice donor variant.
Genome position (GRCh38, 1-based): chr11:72,195,460, G>A. VCF-style: chr11-72195460-G-A. GRCh37 (hg19) VCF-style: chr11-71906504-G-A.
Other names: c.357+1G>A (NM_016724.3, NM_016725.3, NM_000802.3).
Identifiers: ClinVar variation 372855 (VCV000372855.2), dbSNP rs1057518027, ClinGen allele CA16042767.